The following is an entry in ClinVar:

NM_006766.5(KAT6A):c.805C>T (p.Arg269Ter)

Gene: KAT6A (lysine acetyltransferase 6A; minus strand). Cytogenetic location: 8p11.21.
Variant type: single nucleotide variant.
Coding change: c.805C>T on transcript NM_006766.5 (MANE Select); coding-DNA position 805, C replaced by T.
Protein change: p.Arg269Ter; replaces arginine 269 with a stop codon.
Molecular consequence: nonsense.
Genome position (GRCh38, 1-based): chr8:41,981,859, G>A on the plus strand (C>T on the coding strand, the complement: KAT6A is on the minus strand). VCF-style: chr8-41981859-G-A. GRCh37 (hg19) VCF-style: chr8-41839377-G-A.
Other names: c.805C>T, p.Arg269Ter (NM_001305878.2); short protein forms R269*.
Identifiers: ClinVar variation 620554 (VCV000620554.9), dbSNP rs1564039543, ClinGen allele CA371173839.

ClinVar aggregate classification (germline): Pathogenic. Review status: criteria provided, multiple submitters, no conflicts (2 of 4 stars). 3 submissions from 3 submitters: Pathogenic (3). Last evaluated 2024-01-22.

Conditions:
Autosomal dominant intellectual disability-craniofacial anomalies-cardiac defects syndrome (ARTHS). Also called: Arboleda-Tham syndrome; Mental retardation, autosomal dominant 32; KAT6A syndrome. Identifiers: Orphanet 457193, MedGen C4225396, MONDO:0014558, OMIM 616268.

Submissions (3):

GeneDx
Classification: Pathogenic. Last evaluated: 2024-01-22. Review status: criteria provided, single submitter. Criteria: GeneDx Variant Classification Process June 2021. Collection method: clinical testing. Allele origin: germline. Affected: yes.
Comment: Nonsense variant predicted to result in protein truncation or nonsense mediated decay in a gene for which loss of function is a known mechanism of disease; Not observed at significant frequency in large population cohorts (gnomAD); This variant is associated with the following publications: (PMID: 30245513)

Labcorp Genetics (formerly Invitae), Labcorp
Classification: Pathogenic. Last evaluated: 2023-10-22. Review status: criteria provided, single submitter. Criteria: Invitae Variant Classification Sherloc (09022015). Collection method: clinical testing. Allele origin: germline.
Comment: This sequence change creates a premature translational stop signal (p.Arg269*) in the KAT6A gene. It is expected to result in an absent or disrupted protein product. Loss-of-function variants in KAT6A are known to be pathogenic (PMID: 25728775, 25728777, 27133397). This variant is not present in population databases (gnomAD no frequency). This premature translational stop signal has been observed in individual(s) with KAT6A-related conditions (PMID: 30245513). ClinVar contains an entry for this variant (Variation ID: 620554). For these reasons, this variant has been classified as Pathogenic.

Revvity Omics, Revvity
Classification: Pathogenic for Autosomal dominant intellectual disability-craniofacial anomalies-cardiac defects syndrome. Last evaluated: 2021-05-07. Review status: criteria provided, single submitter. Criteria: ACMG Guidelines, 2015. Collection method: clinical testing. Allele origin: germline.

Literature cited by the submitters: PubMed 25728775 (cited by Labcorp Genetics (formerly Invitae), Labcorp); PubMed 25728777 (cited by Labcorp Genetics (formerly Invitae), Labcorp); PubMed 27133397 (cited by Labcorp Genetics (formerly Invitae), Labcorp); PubMed 30245513 (cited by Labcorp Genetics (formerly Invitae), Labcorp).